The following is an entry in ClinVar:

ClinVar aggregate classification (germline): Uncertain significance (1 of 4 stars; one submission).

gnomAD v4.1: 1 of 1,209,710 alleles (0.000083%); highest among the groups gnomAD compares: Non-Finnish European, 0.00011%; no homozygotes.

Submission:

GeneDx
Classification: Uncertain significance. Last evaluated: 2026-02-25. Review status: criteria provided, single submitter. Criteria: GeneDx Variant Classification Process June 2021. Collection method: clinical testing. Allele origin: germline.
Comment: Not observed at significant frequency in large population cohorts (gnomAD); In silico analysis supports that this missense variant has a deleterious effect on protein structure/function; Has not been previously published as pathogenic or benign to our knowledge.

NM_002764.4(PRPS1):c.314C>T (p.Ala105Val)

Gene: PRPS1 (phosphoribosyl pyrophosphate synthetase 1; plus strand). Cytogenetic location: Xq22.3.
Variant type: single nucleotide variant.
Coding change: c.314C>T on transcript NM_002764.4 (MANE Select); coding-DNA position 314, C replaced by T.
Protein change: p.Ala105Val; replaces alanine 105 with valine.
Molecular consequence: missense variant. On other transcripts: intron variant (1).
Genome position (GRCh38, 1-based): chrX:107,640,909, C>T. VCF-style: chrX-107640909-C-T. GRCh37 (hg19) VCF-style: chrX-106884139-C-T.
Other names: c.-82-4268C>T (NM_001204402.2); short protein forms A105V.
Identifiers: ClinVar variation 4891397 (VCV004891397.1).